The following is an entry in ClinVar:

ClinVar aggregate classification (germline): Pathogenic. Review status: criteria provided, multiple submitters, no conflicts (2 of 4 stars). 2 submissions from 2 submitters: Pathogenic (2). Last evaluated 2025-04-23.

Conditions:
Hereditary cancer-predisposing syndrome. Also called: Tumor predisposition; Neoplastic Syndromes, Hereditary; Hereditary Cancer Syndrome; Hereditary neoplastic syndrome. Identifiers: Orphanet 140162, MedGen C0027672, MeSH D009386, MONDO:0015356.
Multiple endocrine neoplasia, type 1 (MEN1). Also called: MEN I; WERMER SYNDROME; Endocrine adenomatosis multiple; MEN 1; MEA I. Identifiers: Orphanet 652, MedGen C0025267, MeSH D018761, MONDO:0007540, OMIM 131100.

Submissions (2):

Labcorp Genetics (formerly Invitae), Labcorp
Classification: Pathogenic for Multiple endocrine neoplasia, type 1. Last evaluated: 2025-04-23. Review status: criteria provided, single submitter. Criteria: Invitae Variant Classification Sherloc (09022015). Collection method: clinical testing. Allele origin: germline.
Comment: This sequence change creates a premature translational stop signal (p.Tyr353*) in the MEN1 gene. It is expected to result in an absent or disrupted protein product. Loss-of-function variants in MEN1 are known to be pathogenic (PMID: 12112656, 17853334). This variant is not present in population databases (gnomAD no frequency). This premature translational stop signal has been observed in individual(s) with multiple endocrine neoplasia type 1 (PMID: 25527055). This variant is also known as p.Tyr358X. ClinVar contains an entry for this variant (Variation ID: 1779420). For these reasons, this variant has been classified as Pathogenic.

Ambry Genetics
Classification: Pathogenic for Hereditary cancer-predisposing syndrome. Last evaluated: 2018-07-10. Review status: criteria provided, single submitter. Criteria: Ambry Variant Classification Scheme 2023. Collection method: clinical testing. Allele origin: germline.
Comment: The p.Y353* pathogenic mutation (also known as c.1059C>G), located in coding exon 7 of the MEN1 gene, results from a C to G substitution at nucleotide position 1059. This changes the amino acid from a tyrosine to a stop codon within coding exon 7. This pathogenic mutation has been reported in two unrelated individuals known to have MEN1. Of note, authors referred to this alteration as p.Tyr358X (c.1074C>G) based on an alternative isoform (van Asselt SJ et al. Gastrointest. Endosc., 2015 Jan;81:159-167.e2). In addition to the clinical data presented in the literature, this alteration is expected to result in loss of function by premature protein truncation or nonsense-mediated mRNA decay. As such, this alteration is interpreted as a disease-causing mutation.

Literature cited by the submitters: PubMed 12112656 (cited by Labcorp Genetics (formerly Invitae), Labcorp); PubMed 17853334 (cited by Labcorp Genetics (formerly Invitae), Labcorp); PubMed 25527055 (cited by Labcorp Genetics (formerly Invitae), Labcorp and Ambry Genetics).

NM_001370259.2(MEN1):c.1059C>G (p.Tyr353Ter)

Gene: MEN1 (menin 1; minus strand). Cytogenetic location: 11q13.1.
Variant type: single nucleotide variant.
Coding change: c.1059C>G on transcript NM_001370259.2 (MANE Select); coding-DNA position 1059, C replaced by G.
Protein change: p.Tyr353Ter; replaces tyrosine 353 with a stop codon.
Molecular consequence: nonsense.
Genome position (GRCh38, 1-based): chr11:64,805,761, G>C on the plus strand (C>G on the coding strand, the complement: MEN1 is on the minus strand). VCF-style: chr11-64805761-G-C. GRCh37 (hg19) VCF-style: chr11-64573233-G-C.
Other names: c.1185C>G, p.Tyr395Ter (NM_001407143.1, NM_001407144.1, NM_001370251.2 and 1 more transcripts); c.1074C>G, p.Tyr358Ter (NM_001407145.1, NM_000244.4, NM_130800.3 and 4 more transcripts); c.1059C>G, p.Tyr353Ter (NM_001407146.1, NM_001407147.1, NM_001407152.1 and 3 more transcripts); c.954C>G, p.Tyr318Ter (NM_001407148.1, NM_001407149.1, NM_001370262.2 and 1 more transcripts); c.1200C>G, p.Tyr400Ter (NM_001407150.1); c.1080C>G, p.Tyr360Ter (NM_001407151.1); short protein forms Y353*, Y358*, Y395*, Y400*, Y318*, Y360*.
Identifiers: ClinVar variation 1779420 (VCV001779420.4), dbSNP rs1592640846, ClinGen allele CA381182947.